The following is an entry in ClinVar:

ClinVar aggregate classification (germline): Likely benign. Review status: criteria provided, multiple submitters, no conflicts (2 of 4 stars). 3 submissions from 3 submitters: Likely benign (3). Last evaluated 2025-09-30.

Conditions:
Autoinflammatory syndrome. Identifiers: Orphanet 93665, MedGen C3890737, MONDO:0019751.
Cryopyrin associated periodic syndrome (CAPS). Identifiers: Orphanet 208650, MedGen C2316212, MONDO:0016168.

Allele frequency attached by ClinVar (database versions not stated): gnomAD 0.00001 and 0.00003; TOPMed 0.00003; ExAC 0.00008; gnomAD exomes 0.00008.
gnomAD v4.1: 58 of 1,613,958 alleles (0.0036%); highest among the groups gnomAD compares: South Asian, 0.054%; 1 homozygote.

Submissions (3):

Labcorp Genetics (formerly Invitae), Labcorp
Classification: Likely benign for Cryopyrin associated periodic syndrome. Last evaluated: 2025-09-30. Review status: criteria provided, single submitter. Criteria: Invitae Variant Classification Sherloc (09022015). Collection method: clinical testing. Allele origin: germline.

Genome Diagnostics Laboratory, The Hospital for Sick Children
Classification: Likely benign for Autoinflammatory syndrome. Last evaluated: 2021-11-18. Review status: criteria provided, single submitter. Criteria: ACMG Guidelines, 2015. Collection method: clinical testing. Allele origin: germline. Affected: yes.

GeneDx
Classification: Likely benign. Last evaluated: 2015-10-23. Review status: criteria provided, single submitter. Criteria: GeneDx Variant Classification (06012015). Collection method: clinical testing. Allele origin: germline. Affected: yes.
Comment: This variant is considered likely benign or benign based on one or more of the following criteria: it is a conservative change, it occurs at a poorly conserved position in the protein, it is predicted to be benign by multiple in silico algorithms, and/or has population frequency not consistent with disease.

NM_001243133.2(NLRP3):c.2492+8G>A

Gene: NLRP3 (NLR family pyrin domain containing 3; plus strand). Cytogenetic location: 1q44.
Variant type: single nucleotide variant.
Coding change: c.2492+8G>A on transcript NM_001243133.2 (MANE Select); 8 bases into the intron after coding-DNA position 2492, G replaced by A.
Molecular consequence: intron variant.
Genome position (GRCh38, 1-based): chr1:247,434,281, G>A. VCF-style: chr1-247434281-G-A. GRCh37 (hg19) VCF-style: chr1-247597583-G-A.
Other names: c.2498+8G>A (NM_004895.5); c.2492+8G>A (NM_001127461.3, NM_001079821.3); c.2321+8G>A (NM_001127462.3, NM_183395.3).
Identifiers: ClinVar variation 246017 (VCV000246017.13), dbSNP rs201453934, ClinGen allele CA1495252.
Genomic context (GRCh38, chr1:247,434,281, plus strand): 5'-AGACTTCTGTGTGTGGGACTGAAGCACCTGTTGTGCAATCTGAAGAAGCTCTGGTGAGTC[G>A]AGCCCGTTCCCCTAAGGAAGTTCTGCCAGCGAGGCGTGCTGCGCACTCTGGCTTCAGTGA-3'